The following is an entry in ClinVar:

ClinVar aggregate classification (germline): Uncertain significance (1 of 4 stars; one submission).

Allele frequency attached by ClinVar (database versions not stated): gnomAD exomes below 0.00001; ExAC 0.00001; TOPMed 0.00001; gnomAD 0.00002.

Submission:

CeGaT Center for Human Genetics Tuebingen
Classification: Uncertain significance. Last evaluated: 2022-12-01. Review status: criteria provided, single submitter. Criteria: CeGaT Center For Human Genetics Tuebingen Variant Classification Criteria Version 2. Collection method: clinical testing. Allele origin: germline. Affected: yes. Observed: 1 variant allele.
Comment: EEF1B2: PM2

NM_001959.4(EEF1B2):c.304G>A (p.Asp102Asn)

Gene: EEF1B2 (eukaryotic translation elongation factor 1 beta 2; plus strand). Cytogenetic location: 2q33.3.
Variant type: single nucleotide variant.
Coding change: c.304G>A on transcript NM_001959.4 (MANE Select); coding-DNA position 304, G replaced by A.
Protein change: p.Asp102Asn; replaces aspartic acid 102 with asparagine.
Molecular consequence: missense variant.
Genome position (GRCh38, 1-based): chr2:206,161,446, G>A. VCF-style: chr2-206161446-G-A. GRCh37 (hg19) VCF-style: chr2-207026170-G-A.
Other names: c.304G>A, p.Asp102Asn (NM_001037663.2, NM_021121.4); short protein forms D102N.
Identifiers: ClinVar variation 2651839 (VCV002651839.24), dbSNP rs761155768, ClinGen allele CA2071123.